The following is an entry in ClinVar:

ClinVar aggregate classification (germline): Uncertain significance (1 of 4 stars; one submission).

Conditions:
Norman-Roberts syndrome (LIS2). Also called: Lissencephaly 2 (Norman-Roberts type). Identifiers: Orphanet 89844, MedGen C0796089, MONDO:0009760, OMIM 257320.
Familial temporal lobe epilepsy 7. Identifiers: Orphanet 101046, MedGen C4225327, MONDO:0014639, OMIM 616436.

Allele frequency attached by ClinVar (database versions not stated): gnomAD exomes below 0.00001; gnomAD 0.00001; TOPMed 0.00001.
gnomAD v4.1: 5 of 1,613,970 alleles (0.00031%); highest among the groups gnomAD compares: Non-Finnish European, 0.00042%; no homozygotes.

Submission:

Labcorp Genetics (formerly Invitae), Labcorp
Classification: Uncertain significance for Familial temporal lobe epilepsy 7; Norman-Roberts syndrome. Last evaluated: 2026-01-26. Review status: criteria provided, single submitter. Criteria: Invitae Variant Classification Sherloc (09022015). Collection method: clinical testing. Allele origin: germline.
Comment: This sequence change replaces valine, which is neutral and non-polar, with alanine, which is neutral and non-polar, at codon 1797 of the RELN protein (p.Val1797Ala). This variant is not present in population databases (gnomAD no frequency). This variant has not been reported in the literature in individuals affected with RELN-related conditions. ClinVar contains an entry for this variant (Variation ID: 1354548). Invitae Evidence Modeling of protein sequence and biophysical properties (such as structural, functional, and spatial information, amino acid conservation, physicochemical variation, residue mobility, and thermodynamic stability) indicates that this missense variant is not expected to disrupt RELN protein function with a negative predictive value of 80%. In summary, the available evidence is currently insufficient to determine the role of this variant in disease. Therefore, it has been classified as a Variant of Uncertain Significance.

NM_005045.4(RELN):c.5390T>C (p.Val1797Ala)

Gene: RELN (reelin; minus strand). Cytogenetic location: 7q22.1.
Variant type: single nucleotide variant.
Coding change: c.5390T>C on transcript NM_005045.4 (MANE Select); coding-DNA position 5390, T replaced by C.
Protein change: p.Val1797Ala; replaces valine 1797 with alanine.
Molecular consequence: missense variant.
Genome position (GRCh38, 1-based): chr7:103,561,671, A>G on the plus strand (T>C on the coding strand, the complement: RELN is on the minus strand). VCF-style: chr7-103561671-A-G. GRCh37 (hg19) VCF-style: chr7-103202118-A-G.
Other names: c.5390T>C, p.Val1797Ala (NM_173054.3); short protein forms V1797A.
Identifiers: ClinVar variation 1354548 (VCV001354548.6), dbSNP rs1462688546, ClinGen allele CA368744064.